The following is an entry in ClinVar:

ClinVar aggregate classification (germline): Uncertain significance (1 of 4 stars; one submission).

Submission:

Labcorp Genetics (formerly Invitae), Labcorp
Classification: Uncertain significance. Last evaluated: 2022-02-03. Review status: criteria provided, single submitter. Criteria: Invitae Variant Classification Sherloc (09022015). Collection method: clinical testing. Allele origin: germline.
Comment: In summary, the available evidence is currently insufficient to determine the role of this variant in disease. Therefore, it has been classified as a Variant of Uncertain Significance. Algorithms developed to predict the effect of sequence changes on RNA splicing suggest that this variant may create or strengthen a splice site. Algorithms developed to predict the effect of missense changes on protein structure and function are either unavailable or do not agree on the potential impact of this missense change (SIFT: "Tolerated"; PolyPhen-2: "Possibly Damaging"; Align-GVGD: "Class C0"). ClinVar contains an entry for this variant (Variation ID: 1008073). This missense change has been observed in individual(s) with clinical features of ABCA4-related conditions (Invitae). This variant is not present in population databases (gnomAD no frequency). This sequence change replaces glutamine, which is neutral and polar, with proline, which is neutral and non-polar, at codon 876 of the ABCA4 protein (p.Gln876Pro).

NM_000350.3(ABCA4):c.2627A>C (p.Gln876Pro)

Gene: ABCA4 (ATP binding cassette subfamily A member 4; minus strand). Cytogenetic location: 1p22.1.
Variant type: single nucleotide variant.
Coding change: c.2627A>C on transcript NM_000350.3 (MANE Select); coding-DNA position 2627, A replaced by C.
Protein change: p.Gln876Pro; replaces glutamine 876 with proline.
Molecular consequence: missense variant.
Genome position (GRCh38, 1-based): chr1:94,051,659, T>G on the plus strand (A>C on the coding strand, the complement: ABCA4 is on the minus strand). VCF-style: chr1-94051659-T-G. GRCh37 (hg19) VCF-style: chr1-94517215-T-G.
Other names: c.2405A>C, p.Gln802Pro (NM_001425324.1); short protein forms Q876P, Q802P.
Identifiers: ClinVar variation 1008073 (VCV001008073.8), dbSNP rs1660843612, ClinGen allele CA341276125.
Genomic context (GRCh38, chr1:94,051,659, plus strand): 5'-TCAAACATTAAGATTTGTGTTTTAAAGGACTCACCTTCACCGCCAAGCCAATACGACTCT[T>G]GTAGAAGAAAGTACCAAGGAAGTGGGGTTCCATAGTCTCCTAAAAATAGAGACAAATAAA-3'
Protein context (NP_000341.2, residues 866-886): GTPLPWYFLL[Gln876Pro]ESYWLGGEGC